The following is an entry in ClinVar:

ClinVar aggregate classification (germline): Likely benign (1 of 4 stars; one submission).

Submission:

CeGaT Center for Human Genetics Tuebingen
Classification: Likely benign. Last evaluated: 2025-12-01. Review status: criteria provided, single submitter. Criteria: CeGaT Center For Human Genetics Tuebingen Variant Classification Criteria Version 2. Collection method: clinical testing. Allele origin: germline. Affected: yes. Observed: 1 variant allele.
Comment: GREB1: PM2:Supporting, BP4, BP7

NM_014668.4(GREB1):c.5334C>T (p.His1778=)

Gene: GREB1 (growth regulating estrogen receptor binding 1; plus strand). Cytogenetic location: 2p25.1.
Variant type: single nucleotide variant.
Coding change: c.5334C>T on transcript NM_014668.4 (MANE Select); coding-DNA position 5334, C replaced by T.
Protein change: p.His1778=; no amino-acid change (histidine 1778 retained).
Molecular consequence: synonymous variant.
Genome position (GRCh38, 1-based): chr2:11,635,393, C>T. VCF-style: chr2-11635393-C-T. GRCh37 (hg19) VCF-style: chr2-11775519-C-T.
Identifiers: ClinVar variation 4681766 (VCV004681766.5).